The following is an entry in ClinVar:

NM_000256.3(MYBPC3):c.817C>T (p.Arg273Cys)

Gene: MYBPC3 (myosin binding protein C3; minus strand). Cytogenetic location: 11p11.2.
Variant type: single nucleotide variant.
Coding change: c.817C>T on transcript NM_000256.3 (MANE Select); coding-DNA position 817, C replaced by T.
Protein change: p.Arg273Cys; replaces arginine 273 with cysteine.
Molecular consequence: missense variant.
Genome position (GRCh38, 1-based): chr11:47,347,861, G>A on the plus strand (C>T on the coding strand, the complement: MYBPC3 is on the minus strand). VCF-style: chr11-47347861-G-A. GRCh37 (hg19) VCF-style: chr11-47369412-G-A.
Other names: c.817C>T, p.Arg273Cys (LRG_386t1); short protein forms R273C.
Identifiers: ClinVar variation 454334 (VCV000454334.24), dbSNP rs551119259, ClinGen allele CA056908.

ClinVar aggregate classification (germline): Uncertain significance. Review status: criteria provided, multiple submitters, no conflicts (2 of 4 stars). 10 submissions from 10 submitters: Uncertain significance (10). Last evaluated 2026-06-26.

Conditions:
MYBPC3-related disorder. Also called: MYBPC3-related disorders; MYBPC3-related condition; MYBPC3-related disease.
Cardiovascular phenotype. Identifiers: MedGen CN230736.
Cardiomyopathy (CMYO). Also called: Cardiomyopathies. Identifiers: Orphanet 167848, MedGen C0878544, MONDO:0004994, HP:0001638. Inheritance: Various modes of inheritance.
Hypertrophic cardiomyopathy 4. Also called: Familial hypertrophic cardiomyopathy 4. Identifiers: MedGen C1861862, MONDO:0007268, OMIM 115197.
Hypertrophic cardiomyopathy. Also called: HYPERTROPHIC MYOCARDIOPATHY. Identifiers: Orphanet 217569, MedGen C0007194, MeSH D002312, MONDO:0005045, HP:0001639.

Allele frequency attached by ClinVar (database versions not stated): ExAC below 0.00001; gnomAD 0.00001 and 0.00002; gnomAD exomes 0.00001; TOPMed 0.00001; 1000 Genomes Project 30x 0.00016; 1000 Genomes Project 0.00020.
gnomAD v4.1: 19 of 1,566,504 alleles (0.0012%); highest among the groups gnomAD compares: Admixed American, 0.0038%; no homozygotes.

Submissions (10):

PreventionGenetics, part of Exact Sciences
Classification: Uncertain significance for MYBPC3-related condition. Last evaluated: 2026-06-26. Review status: criteria provided, single submitter. Criteria: ACMG Guidelines, 2015. Collection method: clinical testing. Allele origin: germline.
Comment: The MYBPC3 c.817C>T variant is predicted to result in the amino acid substitution p.Arg273Cys. This variant has been reported in several individuals with hypertrophic cardiomyopathy (Santos et al. 2011. PubMed ID: 21425739; Supplementary Table, Chida et al. 2017. PubMed ID: 27885498; Supplementary Table 2, Gómez et al. 2017. PubMed ID: 28356264) and dilated cardiomyopathy (Chanavat et al. 2016. PubMed ID: 26688388). It has also been reported in a neonate with Long QT syndrome who also had variants in other genes which could explain the phenotype (Sarquella-Brugada et al. 2021. PubMed ID: 34395343). This variant is reported in 0.0038% of alleles in individuals of Latino descent in gnomAD and is interpreted as uncertain in ClinVar (Variation ID: 454334). At this time, the clinical significance of this variant is uncertain due to the absence of conclusive functional and genetic evidence.

Color Diagnostics, LLC DBA Color Health
Classification: Uncertain significance for Cardiomyopathy. Last evaluated: 2025-06-24. Review status: criteria provided, single submitter. Criteria: ACMG Guidelines, 2015. Collection method: clinical testing. Allele origin: germline.
Comment: This missense variant replaces arginine with cysteine at codon 273 of the MYBPC3 protein. Computational prediction suggests that this variant may have a deleterious impact on protein structure and function. To our knowledge, functional studies have not been reported for this variant. This variant has been reported in two individuals affected with hypertrophic cardiomyopathy (PMID: 21425739, 28356264) and in an individual affected with sudden cardiac death (PMID: 26688388). It has also been reported in an individual affected with long QT syndrome (PMID: 34395343)this individual also carried variant in the KCNQ1 gene. This variant has been identified in 2/175154 chromosomes in the general population by the Genome Aggregation Database (gnomAD). The available evidence is insufficient to determine the role of this variant in disease conclusively. Therefore, this variant is classified as a Variant of Uncertain Significance.

Molecular Diagnostic Laboratory for Inherited Cardiovascular Disease, Montreal Heart Institute
Classification: Uncertain significance for Cardiovascular phenotype. Last evaluated: 2025-04-09. Review status: criteria provided, single submitter. Criteria: ACMG Guidelines, 2015. Collection method: clinical testing. Allele origin: germline. Affected: yes.
Comment: PM2, PS4_supp, PP3

Labcorp Genetics (formerly Invitae), Labcorp
Classification: Uncertain significance for Hypertrophic cardiomyopathy. Last evaluated: 2025-01-31. Review status: criteria provided, single submitter. Criteria: Invitae Variant Classification Sherloc (09022015). Collection method: clinical testing. Allele origin: germline.
Comment: This sequence change replaces arginine, which is basic and polar, with cysteine, which is neutral and slightly polar, at codon 273 of the MYBPC3 protein (p.Arg273Cys). The frequency data for this variant in the population databases is considered unreliable, as metrics indicate poor data quality at this position in the gnomAD database. This missense change has been observed in individuals with hypertrophic cardiomyopathy (PMID: 21425739, 28356264). ClinVar contains an entry for this variant (Variation ID: 454334). An algorithm developed to predict the effect of missense changes on protein structure and function (PolyPhen-2) suggests that this variant is likely to be disruptive. In summary, the available evidence is currently insufficient to determine the role of this variant in disease. Therefore, it has been classified as a Variant of Uncertain Significance.

Blueprint Genetics
Classification: Uncertain significance. Last evaluated: 2024-09-26. Review status: criteria provided, single submitter. Criteria: ACMG Guidelines, 2015. Collection method: clinical testing. Allele origin: germline.

All of Us Research Program, National Institutes of Health
Classification: Uncertain significance for Hypertrophic cardiomyopathy. Last evaluated: 2024-09-23. Review status: criteria provided, single submitter. Criteria: ACMG Guidelines, 2015. Collection method: clinical testing. Allele origin: germline. Inheritance: Autosomal dominant inheritance. Observed: 5 variant alleles, 5 heterozygotes.
Comment: This missense variant replaces arginine with cysteine at codon 273 of the MYBPC3 protein. Computational prediction is inconclusive regarding the impact of this variant on protein structure and function (internally defined REVEL score threshold 0.5 < inconclusive < 0.7, PMID: 27666373). To our knowledge, functional studies have not been reported for this variant. This variant has been reported in two individuals affected with hypertrophic cardiomyopathy (PMID: 21425739, 28356264) and in an individual affected with sudden cardiac death (PMID: 26688388). This variant has been identified in 2/175154 chromosomes in the general population by the Genome Aggregation Database (gnomAD). The available evidence is insufficient to determine the role of this variant in disease conclusively. Therefore, this variant is classified as a Variant of Uncertain Significance.

This study involves interpretation of variants in research participants for the purpose of population health screening. Participant phenotype was not available at the time of variant classification. Additional details can be found in publication PMID: 35346344, PMCID: PMC8962531

Ambry Genetics
Classification: Uncertain significance for Cardiovascular phenotype. Last evaluated: 2024-06-10. Review status: criteria provided, single submitter. Criteria: Ambry Variant Classification Scheme 2023. Collection method: clinical testing. Allele origin: germline.
Comment: The p.R273C variant (also known as c.817C>T), located in coding exon 7 of the MYBPC3 gene, results from a C to T substitution at nucleotide position 817. The arginine at codon 273 is replaced by cysteine, an amino acid with highly dissimilar properties. This alteration has been reported alone and with alterations in other cardiac-related genes in subjects with hypertrophic cardiomyopathy (HCM), dilated cardiomyopathy (DCM) and prolonged QT (Santos S et al. Rev Port Cardiol, 2011 Jan;30:7-18; Chanavat V et al. Clin Chim Acta, 2016 Jan;453:80-5; Girolami F et al. J Cardiovasc Med (Hagerstown), 2006 Aug;7:601-7; Girolami F et al. J Am Coll Cardiol, 2010 Apr;55:1444-53; Chida A et al. Heart Vessels, 2017 Jun;32:700-707; Sarquella-Brugada G et al. Front Pediatr, 2021 Jul;9:704580). This amino acid position is highly conserved in available vertebrate species. In addition, this alteration is predicted to be deleterious by in silico analysis. Since supporting evidence is limited at this time, the clinical significance of this alteration remains unclear.

Centre for Mendelian Genomics, University Medical Centre Ljubljana
Classification: Uncertain significance for Hypertrophic cardiomyopathy 4. Last evaluated: 2020-03-13. Review status: criteria provided, single submitter. Criteria: ACMG Guidelines, 2015. Collection method: clinical testing. Allele origin: unknown. Affected: yes.
Comment: This variant was classified as: Uncertain significance. The available evidence on this variant's pathogenicity is insufficient or conflicting. The following ACMG criteria were applied in classifying this variant: PM2,PP3,BS2.

Mendelics
Classification: Uncertain significance for Hypertrophic cardiomyopathy 4. Last evaluated: 2019-05-28. Review status: criteria provided, single submitter. Criteria: Mendelics Assertion Criteria 2017. Collection method: clinical testing. Allele origin: unknown.

Institute for Medical Genetics and Human Genetics, Charité - Universitätsmedizin Berlin
Classification: Uncertain significance. Review status: criteria provided, single submitter. Criteria: ACMG Guidelines, 2015. Collection method: not provided. Allele origin: germline. Inheritance: Autosomal dominant inheritance. Affected: yes.

Literature cited by the submitters: PubMed 21425739 (cited by 4 submitters); PubMed 26688388 (cited by 3 submitters); PubMed 28356264 (cited by 4 submitters); PubMed 34395343 (cited by Color Diagnostics, LLC DBA Color Health and Ambry Genetics); PubMed 16858239 (cited by Ambry Genetics); PubMed 20359594 (cited by Ambry Genetics); PubMed 22429680 (cited by Ambry Genetics); PubMed 22857948 (cited by Ambry Genetics); PubMed 27885498 (cited by Ambry Genetics).